The following is an entry in ClinVar:

ClinVar aggregate classification (germline): Uncertain significance (1 of 4 stars; one submission).

Conditions:
Pheochromocytoma/paraganglioma syndrome 3. Also called: GLOMUS TUMORS, FAMILIAL, 3; Paragangliomas 3; SDHC-Related Hereditary Paraganglioma-Pheochromocytoma Syndrome (Paragangliomas 3); SDHC-Related Hereditary Paraganglioma-Pheochromocytoma Syndrome. Identifiers: Orphanet 29072, MedGen C1854336, MONDO:0011544, OMIM 605373.
Gastrointestinal stromal tumor. Also called: Gastrointestinal stroma tumor; Gastrointestinal stromal tumor, somatic. Identifiers: Orphanet 44890, MedGen C0238198, MeSH D046152, MONDO:0011719, OMIM 606764, HP:0100723.

Submission:

Labcorp Genetics (formerly Invitae), Labcorp
Classification: Uncertain significance for Pheochromocytoma/paraganglioma syndrome 3; Gastrointestinal stromal tumor. Last evaluated: 2022-06-20. Review status: criteria provided, single submitter. Criteria: Invitae Variant Classification Sherloc (09022015). Collection method: clinical testing. Allele origin: germline.
Comment: In summary, the available evidence is currently insufficient to determine the role of this variant in disease. Therefore, it has been classified as a Variant of Uncertain Significance. Studies have shown that this variant is associated with altered splicing resulting in unknown protein product impact (Invitae). This variant has not been reported in the literature in individuals affected with SDHC-related conditions. This variant is not present in population databases (gnomAD no frequency). This sequence change falls in intron 3 of the SDHC gene. It does not directly change the encoded amino acid sequence of the SDHC protein.

NM_003001.5(SDHC):c.179+3405A>G

Gene: SDHC (succinate dehydrogenase complex subunit C; plus strand). Cytogenetic location: 1q23.3.
Variant type: single nucleotide variant.
Coding change: c.179+3405A>G on transcript NM_003001.5 (MANE Select); 3405 bases into the intron after coding-DNA position 179, A replaced by G.
Molecular consequence: intron variant.
Genome position (GRCh38, 1-based): chr1:161,331,902, A>G. VCF-style: chr1-161331902-A-G. GRCh37 (hg19) VCF-style: chr1-161301692-A-G.
Other names: c.68+3405A>G (NM_001407119.1, NM_001407120.1); c.180-1525A>G (NM_001407115.1); c.179+3405A>G (NM_001035511.3); c.77+8232A>G (NM_001035512.3, NM_001278172.3, NM_001407118.1); c.122+3405A>G (NM_001407116.1, NM_001407121.1, NM_001407117.1); c.21-8692A>G (NM_001035513.3).
Identifiers: ClinVar variation 2008742 (VCV002008742.4), dbSNP rs2526388381, ClinGen allele CA2580061322.
Genomic context (GRCh38, chr1:161,331,902, plus strand): 5'-GCCCTGGCCTCCCAAAGTGCTGGGATTACAGGCATGAGCCACCGCGCCTGGCAACAGTGA[A>G]TATCTTAATTTTAGTATTTTTGCTGGGAAGGCTGAGAATTTCCCAAATCATTAAGTCCTG-3'